The following is an entry in ClinVar:

ClinVar aggregate classification (germline): Uncertain significance. Review status: criteria provided, multiple submitters, no conflicts (2 of 4 stars). 2 submissions from 2 submitters: Uncertain significance (2). Last evaluated 2022-06-13.

Conditions:
Developmental and epileptic encephalopathy, 1 (DEE1). Also called: X-linked infantile spasms; West's syndrome; Tonic spasms with clustering, arrest of psychomotor development and hypsarrhythmia on EEG; X-Linked Infantile Spasm Syndrome; OHTAHARA SYNDROME, X-LINKED; Epileptic encephalopathy, early infantile, 1. Identifiers: MedGen C3463992, MONDO:0010632, OMIM 308350. Disease mechanism: loss of function.
Autosomal dominant nonsyndromic hearing loss 65. Also called: Deafness, autosomal dominant 65; TBC1D24-Related Autosomal Dominant Nonsyndromic Hearing Loss (DFNA). Identifiers: Orphanet 90635, MedGen C3892048, MONDO:0014470, OMIM 616044.

Submissions (2):

Labcorp Genetics (formerly Invitae), Labcorp
Classification: Uncertain significance for Developmental and epileptic encephalopathy, 1; Autosomal dominant nonsyndromic hearing loss 65. Last evaluated: 2022-06-13. Review status: criteria provided, single submitter. Criteria: Invitae Variant Classification Sherloc (09022015). Collection method: clinical testing. Allele origin: germline.
Comment: In summary, the available evidence is currently insufficient to determine the role of this variant in disease. Therefore, it has been classified as a Variant of Uncertain Significance. Advanced modeling of protein sequence and biophysical properties (such as structural, functional, and spatial information, amino acid conservation, physicochemical variation, residue mobility, and thermodynamic stability) performed at Invitae indicates that this missense variant is expected to disrupt TBC1D24 protein function. ClinVar contains an entry for this variant (Variation ID: 947578). This variant has not been reported in the literature in individuals affected with TBC1D24-related conditions. This variant is not present in population databases (gnomAD no frequency). This sequence change replaces leucine, which is neutral and non-polar, with valine, which is neutral and non-polar, at codon 140 of the TBC1D24 protein (p.Leu140Val).

Center of Genomic medicine, Geneva, University Hospital of Geneva
Classification: Uncertain significance for Autosomal dominant nonsyndromic hearing loss 65. Last evaluated: 2020-10-19. Review status: criteria provided, single submitter. Criteria: ACMG Guidelines, 2015. Collection method: clinical testing. Allele origin: germline. Affected: yes.

NM_001199107.2(TBC1D24):c.418C>G (p.Leu140Val)

Gene: TBC1D24 (TBC1 domain family member 24; plus strand). Cytogenetic location: 16p13.3.
Variant type: single nucleotide variant.
Coding change: c.418C>G on transcript NM_001199107.2 (MANE Select); coding-DNA position 418, C replaced by G.
Protein change: p.Leu140Val; replaces leucine 140 with valine.
Molecular consequence: missense variant.
Genome position (GRCh38, 1-based): chr16:2,496,566, C>G. VCF-style: chr16-2496566-C-G. GRCh37 (hg19) VCF-style: chr16-2546567-C-G.
Other names: c.418C>G, p.Leu140Val (NM_020705.3); short protein forms L140V.
Identifiers: ClinVar variation 947578 (VCV000947578.13), dbSNP rs1274130724, ClinGen allele CA394375913.